The following is an entry in ClinVar:

ClinVar aggregate classification (germline): Uncertain significance (1 of 4 stars; one submission).

Allele frequency attached by ClinVar (database versions not stated): gnomAD 0.00013; TOPMed 0.00015; ESP Exome Variant Server 0.00024; gnomAD exomes 0.00026; 1000 Genomes Project 30x 0.00031; 1000 Genomes Project 0.00040; ExAC 0.00044.
gnomAD v4.1: 410 of 1,610,624 alleles (0.025%); highest among the groups gnomAD compares: South Asian, 0.072%; 1 homozygote.

Submission:

Labcorp Genetics (formerly Invitae), Labcorp
Classification: Uncertain significance. Last evaluated: 2022-01-17. Review status: criteria provided, single submitter. Criteria: Invitae Variant Classification Sherloc (09022015). Collection method: clinical testing. Allele origin: germline.
Comment: This sequence change replaces arginine, which is basic and polar, with tryptophan, which is neutral and slightly polar, at codon 173 of the DOCK6 protein (p.Arg173Trp). This variant is present in population databases (rs201742664, gnomAD 0.08%). This variant has not been reported in the literature in individuals affected with DOCK6-related conditions. Algorithms developed to predict the effect of missense changes on protein structure and function are either unavailable or do not agree on the potential impact of this missense change (SIFT: "Deleterious"; PolyPhen-2: "Possibly Damaging"; Align-GVGD: "Class C0"). In summary, the available evidence is currently insufficient to determine the role of this variant in disease. Therefore, it has been classified as a Variant of Uncertain Significance.

NM_020812.4(DOCK6):c.517C>T (p.Arg173Trp)

Gene: DOCK6 (dedicator of cytokinesis 6; minus strand). Cytogenetic location: 19p13.2.
Variant type: single nucleotide variant.
Coding change: c.517C>T on transcript NM_020812.4 (MANE Select); coding-DNA position 517, C replaced by T.
Protein change: p.Arg173Trp; replaces arginine 173 with tryptophan.
Molecular consequence: missense variant.
Genome position (GRCh38, 1-based): chr19:11,251,077, G>A on the plus strand (C>T on the coding strand, the complement: DOCK6 is on the minus strand). VCF-style: chr19-11251077-G-A. GRCh37 (hg19) VCF-style: chr19-11361753-G-A.
Other names: c.517C>T, p.Arg173Trp (NM_001367830.1); short protein forms R173W.
Identifiers: ClinVar variation 2187252 (VCV002187252.1), dbSNP rs201742664, ClinGen allele CA9208453.